The following is an entry in ClinVar:

ClinVar aggregate classification (germline): Uncertain significance. Review status: criteria provided, multiple submitters, no conflicts (2 of 4 stars). 3 submissions from 3 submitters: Uncertain significance (3). Last evaluated 2025-03-30.

Conditions:
Hereditary cancer-predisposing syndrome. Also called: Hereditary Cancer Syndrome; Hereditary neoplastic syndrome; Tumor predisposition; Neoplastic Syndromes, Hereditary. Identifiers: Orphanet 140162, MedGen C0027672, MeSH D009386, MONDO:0015356.
Multiple endocrine neoplasia, type 2 (MEN2). Identifiers: Orphanet 653, MedGen C4048306, MONDO:0019003. Disease mechanism: gain of function.

Submissions (3):

Ambry Genetics
Classification: Uncertain significance for Hereditary cancer-predisposing syndrome. Last evaluated: 2025-03-30. Review status: criteria provided, single submitter. Criteria: Ambry Variant Classification Scheme 2023. Collection method: clinical testing. Allele origin: germline.
Comment: The p.G814D variant (also known as c.2441G>A), located in coding exon 14 of the RET gene, results from a G to A substitution at nucleotide position 2441. The glycine at codon 814 is replaced by aspartic acid, an amino acid with similar properties. This amino acid position is conserved. In addition, this alteration is predicted to be tolerated by in silico analysis. Since supporting evidence is limited at this time, the clinical significance of this alteration remains unclear.

GeneDx
Classification: Uncertain significance. Last evaluated: 2024-11-07. Review status: criteria provided, single submitter. Criteria: GeneDx Variant Classification Process June 2021. Collection method: clinical testing. Allele origin: germline. Affected: yes.
Comment: Has not been previously published as pathogenic or benign to our knowledge; Not observed at significant frequency in large population cohorts (gnomAD); In silico analysis indicates that this missense variant does not alter protein structure/function; This variant is associated with the following publications: (PMID: 14633923)

Labcorp Genetics (formerly Invitae), Labcorp
Classification: Uncertain significance for Multiple endocrine neoplasia, type 2. Last evaluated: 2024-03-19. Review status: criteria provided, single submitter. Criteria: Invitae Variant Classification Sherloc (09022015). Collection method: clinical testing. Allele origin: germline.
Comment: This sequence change replaces glycine, which is neutral and non-polar, with aspartic acid, which is acidic and polar, at codon 814 of the RET protein (p.Gly814Asp). This variant is not present in population databases (gnomAD no frequency). This variant has not been reported in the literature in individuals affected with RET-related conditions. ClinVar contains an entry for this variant (Variation ID: 1791340). An algorithm developed to predict the effect of missense changes on protein structure and function (PolyPhen-2) suggests that this variant is likely to be tolerated. In summary, the available evidence is currently insufficient to determine the role of this variant in disease. Therefore, it has been classified as a Variant of Uncertain Significance.

NM_020975.6(RET):c.2441G>A (p.Gly814Asp)

Gene: RET (ret proto-oncogene; plus strand). Cytogenetic location: 10q11.21.
Variant type: single nucleotide variant.
Coding change: c.2441G>A on transcript NM_020975.6 (MANE Select); coding-DNA position 2441, G replaced by A.
Protein change: p.Gly814Asp; replaces glycine 814 with aspartic acid.
Molecular consequence: missense variant.
Genome position (GRCh38, 1-based): chr10:43,119,579, G>A. VCF-style: chr10-43119579-G-A. GRCh37 (hg19) VCF-style: chr10-43615027-G-A.
Other names: c.2441G>A, p.Gly814Asp (NM_000323.2, NM_001406743.1, NM_001406744.1 and 4 more transcripts); c.1679G>A, p.Gly560Asp (NM_001355216.2); c.2312G>A, p.Gly771Asp (NM_001406761.1, NM_001406762.1, NM_001406764.1); c.2306G>A, p.Gly769Asp (NM_001406763.1, NM_001406765.1); c.2153G>A, p.Gly718Asp (NM_001406766.1, NM_001406767.1, NM_001406770.1); c.2177G>A, p.Gly726Asp (NM_001406768.1); c.2045G>A, p.Gly682Asp (NM_001406769.1, NM_001406772.1); c.2003G>A, p.Gly668Asp (NM_001406771.1, NM_001406773.1); and 10 more; short protein forms G331D, G470D, G668D, G682D, G771D, G379D, G419D, G475D.
Identifiers: ClinVar variation 1791340 (VCV001791340.7), dbSNP rs1838156188, ClinGen allele CA376556167.